The following is an entry in ClinVar:

ClinVar aggregate classification (germline): Uncertain significance. Review status: criteria provided, multiple submitters, no conflicts (2 of 4 stars). 2 submissions from 2 submitters: Uncertain significance (2). Last evaluated 2023-05-29.

Allele frequency attached by ClinVar (database versions not stated): gnomAD 0.00001; gnomAD exomes 0.00001; TOPMed 0.00001; ExAC 0.00002.
gnomAD v4.1: 5 of 1,614,080 alleles (0.00031%); highest among the groups gnomAD compares: Admixed American, 0.0083%; no homozygotes.

Submissions (2):

Blueprint Genetics
Classification: Uncertain significance. Last evaluated: 2023-05-29. Review status: criteria provided, single submitter. Criteria: ACMG Guidelines, 2015. Collection method: clinical testing. Allele origin: germline.

Labcorp Genetics (formerly Invitae), Labcorp
Classification: Uncertain significance. Last evaluated: 2022-09-26. Review status: criteria provided, single submitter. Criteria: Invitae Variant Classification Sherloc (09022015). Collection method: clinical testing. Allele origin: germline.
Comment: In summary, the available evidence is currently insufficient to determine the role of this variant in disease. Therefore, it has been classified as a Variant of Uncertain Significance. Advanced modeling of protein sequence and biophysical properties (such as structural, functional, and spatial information, amino acid conservation, physicochemical variation, residue mobility, and thermodynamic stability) performed at Invitae indicates that this missense variant is expected to disrupt TRPM1 protein function. This sequence change replaces leucine, which is neutral and non-polar, with proline, which is neutral and non-polar, at codon 180 of the TRPM1 protein (p.Leu180Pro). This variant is present in population databases (rs775820287, gnomAD 0.01%). This variant has not been reported in the literature in individuals affected with TRPM1-related conditions.

NM_001252024.2(TRPM1):c.605T>C (p.Leu202Pro)

Gene: TRPM1 (transient receptor potential cation channel subfamily M member 1; minus strand). Cytogenetic location: 15q13.3.
Variant type: single nucleotide variant.
Coding change: c.605T>C on transcript NM_001252024.2 (MANE Select); coding-DNA position 605, T replaced by C.
Protein change: p.Leu202Pro; replaces leucine 202 with proline.
Molecular consequence: missense variant.
Genome position (GRCh38, 1-based): chr15:31,067,076, A>G on the plus strand (T>C on the coding strand, the complement: TRPM1 is on the minus strand). VCF-style: chr15-31067076-A-G. GRCh37 (hg19) VCF-style: chr15-31359279-A-G.
Other names: c.656T>C, p.Leu219Pro (NM_001252020.2); c.539T>C, p.Leu180Pro (NM_002420.6); short protein forms L180P, L202P, L219P.
Identifiers: ClinVar variation 1940728 (VCV001940728.5), dbSNP rs775820287, ClinGen allele CA7452897.